The following is an entry in ClinVar:

NM_022173.4(TIA1):c.31G>A (p.Val11Ile)

Gene: TIA1 (TIA1 cytotoxic granule associated RNA binding protein; minus strand). Cytogenetic location: 2p13.3.
Variant type: single nucleotide variant.
Coding change: c.31G>A on transcript NM_022173.4 (MANE Select); coding-DNA position 31, G replaced by A.
Protein change: p.Val11Ile; replaces valine 11 with isoleucine.
Molecular consequence: missense variant. On other transcripts: 5 prime UTR variant (7), non-coding transcript variant (16), intron variant (2).
Genome position (GRCh38, 1-based): chr2:70,236,171, C>T on the plus strand (G>A on the coding strand, the complement: TIA1 is on the minus strand). VCF-style: chr2-70236171-C-T. GRCh37 (hg19) VCF-style: chr2-70463303-C-T.
Other names: c.31G>A, p.Val11Ile (NM_001351508.2, NM_001351509.2, NM_001351510.2 and 7 more transcripts); c.-81G>A (NM_001351511.1, NM_001351512.1, NM_001351513.1); c.-359G>A (NM_001351515.2); c.-608G>A (NM_001351517.2); c.-385G>A (NM_001351524.2); c.-423G>A (NM_001351525.2); c.-72-5317G>A (NM_001351514.2, NM_001351523.2); short protein forms V11I.
Identifiers: ClinVar variation 2428208 (VCV002428208.7), dbSNP rs199622537, ClinGen allele CA49644235.
Genomic context (GRCh38, chr2:70,236,171, plus strand): 5'-CAATCTGGCTAAAGAGTTGCAGAATTAGAGCTTCTGTCACATCTCTGGAAAGGTTACCGA[C>T]GTATCTGAAACACAAAGAGAAACAATTTACCTTTTTTTTTTTTTGAGACAGAGTTTCACT-3'
Protein context (NP_071505.2, residues 1-21): MEDEMPKTLY[Val11Ile]GNLSRDVTEA

ClinVar aggregate classification (germline): Uncertain significance. Review status: criteria provided, multiple submitters, no conflicts (2 of 4 stars). 2 submissions from 2 submitters: Uncertain significance (2). Last evaluated 2023-10-25.

Conditions:
Welander distal myopathy (WDM). Also called: MUSCULAR DYSTROPHY, DISTAL, LATE-ONSET, AUTOSOMAL DOMINANT; Gower's muscular dystrophy; Welander distal myopathy, Swedish type; Distal myopathy, Swedish type. Identifiers: Orphanet 603, MedGen C0221054, MONDO:0011466, OMIM 604454.

Allele frequency attached by ClinVar (database versions not stated): TOPMed 0.00001.
gnomAD v4.1: 15 of 1,598,708 alleles (0.00094%); highest among the groups gnomAD compares: South Asian, 0.0022%; no homozygotes.

Submissions (2):

Revvity Omics, Revvity
Classification: Uncertain significance. Last evaluated: 2023-10-25. Review status: criteria provided, single submitter. Criteria: ACMG Guidelines, 2015. Collection method: clinical testing. Allele origin: germline.

Labcorp Genetics (formerly Invitae), Labcorp
Classification: Uncertain significance for Welander distal myopathy. Last evaluated: 2022-10-25. Review status: criteria provided, single submitter. Criteria: Invitae Variant Classification Sherloc (09022015). Collection method: clinical testing. Allele origin: germline.
Comment: This variant has not been reported in the literature in individuals affected with TIA1-related conditions. This variant is not present in population databases (gnomAD no frequency). This sequence change replaces valine, which is neutral and non-polar, with isoleucine, which is neutral and non-polar, at codon 11 of the TIA1 protein (p.Val11Ile). Advanced modeling of protein sequence and biophysical properties (such as structural, functional, and spatial information, amino acid conservation, physicochemical variation, residue mobility, and thermodynamic stability) performed at Invitae indicates that this missense variant is not expected to disrupt TIA1 protein function. In summary, the available evidence is currently insufficient to determine the role of this variant in disease. Therefore, it has been classified as a Variant of Uncertain Significance.